The following is an entry in ClinVar:

ClinVar aggregate classification (germline): Conflicting classifications of pathogenicity. Review status: criteria provided, conflicting classifications (1 of 4 stars). 3 submissions from 3 submitters: Uncertain significance (2); Likely benign (1). Last evaluated 2026-09-10.

Conditions:
Primary ciliary dyskinesia. Also called: Ciliary dyskinesia. Identifiers: Orphanet 244, MedGen C0008780, MONDO:0016575, HP:0012265.

gnomAD v4.1: 1 of 1,204,839 alleles (0.000083%); highest among the groups gnomAD compares: Admixed American, 0.0022%; no homozygotes.

Submissions (3):

Ambry Genetics
Classification: Likely benign for Primary ciliary dyskinesia. Last evaluated: 2026-09-10. Review status: criteria provided, single submitter. Criteria: Ambry Variant Classification Scheme 2023. Collection method: clinical testing. Allele origin: germline.

Labcorp Genetics (formerly Invitae), Labcorp
Classification: Uncertain significance for Primary ciliary dyskinesia. Last evaluated: 2024-05-29. Review status: criteria provided, single submitter. Criteria: Invitae Variant Classification Sherloc (09022015). Collection method: clinical testing. Allele origin: germline.
Comment: This sequence change replaces methionine, which is neutral and non-polar, with valine, which is neutral and non-polar, at codon 58 of the RPGR protein (p.Met58Val). This variant is not present in population databases (gnomAD no frequency). This variant has not been reported in the literature in individuals affected with RPGR-related conditions. Advanced modeling of protein sequence and biophysical properties (such as structural, functional, and spatial information, amino acid conservation, physicochemical variation, residue mobility, and thermodynamic stability) performed at Invitae indicates that this missense variant is not expected to disrupt RPGR protein function with a negative predictive value of 95%. In summary, the available evidence is currently insufficient to determine the role of this variant in disease. Therefore, it has been classified as a Variant of Uncertain Significance.

Blueprint Genetics
Classification: Uncertain significance. Last evaluated: 2019-05-24. Review status: criteria provided, single submitter. Criteria: ACMG Guidelines, 2015. Collection method: clinical testing. Allele origin: germline.

NM_001034853.2(RPGR):c.172A>G (p.Met58Val)

Gene: RPGR (retinitis pigmentosa GTPase regulator; minus strand). Cytogenetic location: Xp11.4.
Variant type: single nucleotide variant.
Coding change: c.172A>G on transcript NM_001034853.2 (MANE Select); coding-DNA position 172, A replaced by G.
Protein change: p.Met58Val; replaces methionine 58 with valine.
Molecular consequence: missense variant. On other transcripts: non-coding transcript variant (6).
Genome position (GRCh38, 1-based): chrX:38,322,928, T>C on the plus strand (A>G on the coding strand, the complement: RPGR is on the minus strand). VCF-style: chrX-38322928-T-C. GRCh37 (hg19) VCF-style: chrX-38182181-T-C.
Other names: c.172A>G, p.Met58Val (NM_000328.3, NM_001367245.1, NM_001367246.1 and 4 more transcripts); c.202A>G, p.Met68Val (NM_001367248.1); c.172A>G (NM_000328.2); short protein forms M58V, M68V.
Identifiers: ClinVar variation 3672009 (VCV003672009.4).